The following is an entry in ClinVar:

NM_001292063.2(OTOG):c.3966G>T (p.Trp1322Cys)

Gene: OTOG (otogelin; plus strand). Cytogenetic location: 11p15.1.
Variant type: single nucleotide variant.
Coding change: c.3966G>T on transcript NM_001292063.2 (MANE Select); coding-DNA position 3966, G replaced by T.
Protein change: p.Trp1322Cys; replaces tryptophan 1322 with cysteine.
Molecular consequence: missense variant.
Genome position (GRCh38, 1-based): chr11:17,605,945, G>T. VCF-style: chr11-17605945-G-T. GRCh37 (hg19) VCF-style: chr11-17627492-G-T.
Other names: c.4002G>T, p.Trp1334Cys (NM_001277269.2); short protein forms W1334C, W1322C.
Identifiers: ClinVar variation 1516473 (VCV001516473.6), dbSNP rs1853374229, ClinGen allele CA379791835.
Genomic context (GRCh38, chr11:17,605,945, plus strand): 5'-AGACAGACCCAACTTCTTCCTTCACGTCACAGCCAACGGGTCTCTGGAGCTGGCTAAGTG[G>T]CAGGGCCGTGACACCTTCCAACAGCATGCCTCCTTCTTGCTGCACCGGGGGACACGGCAG-3'
Protein context (NP_001278992.1, residues 1312-1332): TANGSLELAK[Trp1322Cys]QGRDTFQQHA

ClinVar aggregate classification (germline): Uncertain significance (1 of 4 stars; one submission).

Allele frequency attached by ClinVar (database versions not stated): gnomAD 0.00001.

Submission:

Labcorp Genetics (formerly Invitae), Labcorp
Classification: Uncertain significance. Last evaluated: 2022-08-23. Review status: criteria provided, single submitter. Criteria: Invitae Variant Classification Sherloc (09022015). Collection method: clinical testing. Allele origin: germline.
Comment: In summary, the available evidence is currently insufficient to determine the role of this variant in disease. Therefore, it has been classified as a Variant of Uncertain Significance. Algorithms developed to predict the effect of missense changes on protein structure and function (SIFT, PolyPhen-2, Align-GVGD) all suggest that this variant is likely to be disruptive. ClinVar contains an entry for this variant (Variation ID: 1516473). This variant has not been reported in the literature in individuals affected with OTOG-related conditions. This variant is not present in population databases (gnomAD no frequency). This sequence change replaces tryptophan, which is neutral and slightly polar, with cysteine, which is neutral and slightly polar, at codon 1334 of the OTOG protein (p.Trp1334Cys).